The following is an entry in ClinVar:

NM_020708.5(SLC12A5):c.413T>G (p.Ile138Ser)

Gene: SLC12A5 (solute carrier family 12 member 5; plus strand). Cytogenetic location: 20q13.12.
Variant type: single nucleotide variant.
Coding change: c.413T>G on transcript NM_020708.5 (MANE Select); coding-DNA position 413, T replaced by G.
Protein change: p.Ile138Ser; replaces isoleucine 138 with serine.
Molecular consequence: missense variant.
Genome position (GRCh38, 1-based): chr20:46,035,910, T>G. VCF-style: chr20-46035910-T-G. GRCh37 (hg19) VCF-style: chr20-44664549-T-G.
Other names: c.482T>G, p.Ile161Ser (NM_001134771.2); short protein forms I138S, I161S.
Identifiers: ClinVar variation 1446893 (VCV001446893.8), dbSNP rs2145482918, ClinGen allele CA409187766.
Genomic context (GRCh38, chr20:46,035,910, plus strand): 5'-TGCGGCTCACCTGGGTGGTGGGCATTGCAGGCATCATGGAGTCCTTCTGCATGGTGTTCA[T>G]CTGCTGCTCCTGTGTGAGTGACACCCCTCCCCTCACCACCCCCTGACAGCTGGGGCTTGG-3'
Protein context (NP_065759.1, residues 128-148): GIMESFCMVF[Ile138Ser]CCSCTMLTAI

ClinVar aggregate classification (germline): Uncertain significance (1 of 4 stars; one submission).

Conditions:
Developmental and epileptic encephalopathy, 34 (DEE34). Also called: SLC12A5-Related Epilepsy of Infancy with Migrating Focal Seizures; Early infantile epileptic encephalopathy 34. Identifiers: Orphanet 293181, MedGen C4225257, MONDO:0014718, OMIM 616645.

Submission:

Labcorp Genetics (formerly Invitae), Labcorp
Classification: Uncertain significance for Developmental and epileptic encephalopathy, 34. Last evaluated: 2024-05-15. Review status: criteria provided, single submitter. Criteria: Invitae Variant Classification Sherloc (09022015). Collection method: clinical testing. Allele origin: germline.
Comment: This sequence change replaces isoleucine, which is neutral and non-polar, with serine, which is neutral and polar, at codon 138 of the SLC12A5 protein (p.Ile138Ser). This variant is not present in population databases (gnomAD no frequency). This variant has not been reported in the literature in individuals affected with SLC12A5-related conditions. ClinVar contains an entry for this variant (Variation ID: 1446893). Advanced modeling of protein sequence and biophysical properties (such as structural, functional, and spatial information, amino acid conservation, physicochemical variation, residue mobility, and thermodynamic stability) performed at Invitae indicates that this missense variant is not expected to disrupt SLC12A5 protein function with a negative predictive value of 80%. In summary, the available evidence is currently insufficient to determine the role of this variant in disease. Therefore, it has been classified as a Variant of Uncertain Significance.